The following is an entry in ClinVar:

ClinVar aggregate classification (germline): Uncertain significance (1 of 4 stars; one submission).

Conditions:
Intellectual developmental disorder, autosomal dominant 1. Also called: Intellectual disability, autosomal dominant 1; MBD5 Haploinsufficiency. Identifiers: Orphanet 228402, MedGen C1969562, MONDO:0007974, OMIM 156200.

Submission:

Labcorp Genetics (formerly Invitae), Labcorp
Classification: Uncertain significance for Intellectual developmental disorder, autosomal dominant 1. Last evaluated: 2021-04-29. Review status: criteria provided, single submitter. Criteria: Invitae Variant Classification Sherloc (09022015). Collection method: clinical testing. Allele origin: germline.
Comment: In summary, the available evidence is currently insufficient to determine the role of this variant in disease. Therefore, it has been classified as a Variant of Uncertain Significance. Algorithms developed to predict the effect of missense changes on protein structure and function are either unavailable or do not agree on the potential impact of this missense change (SIFT: "Deleterious"; PolyPhen-2: "Not Available"; Align-GVGD: "Class C15"). This variant has not been reported in the literature in individuals with MBD5-related conditions. This variant is not present in population databases (ExAC no frequency). This sequence change replaces aspartic acid with asparagine at codon 1180 of the MBD5 protein (p.Asp1180Asn). The aspartic acid residue is highly conserved and there is a small physicochemical difference between aspartic acid and asparagine.

NM_001378120.1(MBD5):c.4237G>A (p.Asp1413Asn)

Gene: MBD5 (methyl-CpG binding domain protein 5; plus strand). Cytogenetic location: 2q23.1.
Variant type: single nucleotide variant.
Coding change: c.4237G>A on transcript NM_001378120.1 (MANE Select); coding-DNA position 4237, G replaced by A.
Protein change: p.Asp1413Asn; replaces aspartic acid 1413 with asparagine.
Molecular consequence: missense variant.
Genome position (GRCh38, 1-based): chr2:148,489,869, G>A. VCF-style: chr2-148489869-G-A. GRCh37 (hg19) VCF-style: chr2-149247438-G-A.
Other names: c.3538G>A, p.Asp1180Asn (NM_018328.5); short protein forms D1180N, D1413N.
Identifiers: ClinVar variation 1424814 (VCV001424814.8), dbSNP rs2105127714, ClinGen allele CA348728309.